The following is an entry in ClinVar:

ClinVar aggregate classification (germline): Uncertain significance. Review status: criteria provided, multiple submitters, no conflicts (2 of 4 stars). 3 submissions from 3 submitters: Uncertain significance (3). Last evaluated 2025-09-18.

Conditions:
Long QT syndrome (LQTS). Identifiers: MedGen C0023976, MeSH D008133, MONDO:0002442. Disease mechanism: loss of function. Inheritance: Various modes of inheritance.
Cardiac arrhythmia. Also called: Cardiac rhythm disease; Arrhythmia. Identifiers: MedGen C0003811, MONDO:0007263, HP:0011675.

Submissions (3):

Color Diagnostics, LLC DBA Color Health
Classification: Uncertain significance for Cardiac arrhythmia. Last evaluated: 2025-09-18. Review status: criteria provided, single submitter. Criteria: ACMG Guidelines, 2015. Collection method: clinical testing. Allele origin: germline.
Comment: This missense variant replaces phenylalanine with leucine at codon 157 of the KCNQ1 protein. Computational prediction is inconclusive regarding the impact of this variant on protein structure and function. To our knowledge, functional studies have not been reported for this variant. This variant has not been reported in individuals affected with KCNQ1-related disorders in the literature. This variant has not been identified in the general population by the Genome Aggregation Database (gnomAD). The available evidence is insufficient to determine the role of this variant in disease conclusively. Therefore, this variant is classified as a Variant of Uncertain Significance.

GeneDx
Classification: Uncertain significance. Last evaluated: 2024-11-12. Review status: criteria provided, single submitter. Criteria: GeneDx Variant Classification Process June 2021. Collection method: clinical testing. Allele origin: germline. Affected: yes.
Comment: Not observed at significant frequency in large population cohorts (gnomAD); In silico analysis supports that this missense variant has a deleterious effect on protein structure/function; Has not been previously published as pathogenic or benign to our knowledge

All of Us Research Program, National Institutes of Health
Classification: Uncertain significance for Long QT syndrome. Last evaluated: 2023-10-02. Review status: criteria provided, single submitter. Criteria: ACMG Guidelines, 2015. Collection method: clinical testing. Allele origin: germline. Inheritance: Autosomal dominant inheritance. Observed: 1 variant allele, 1 heterozygote.
Comment: This missense variant replaces phenylalanine with leucine at codon 157 of the KCNQ1 protein. Computational prediction is inconclusive regarding the impact of this variant on protein structure and function (internally defined REVEL score threshold 0.5 < inconclusive < 0.7, PMID: 27666373). To our knowledge, functional studies have not been reported for this variant. This variant has not been reported in individuals affected with KCNQ1-related disorders in the literature. This variant has not been identified in the general population by the Genome Aggregation Database (gnomAD). The available evidence is insufficient to determine the role of this variant in disease conclusively. Therefore, this variant is classified as a Variant of Uncertain Significance.

This study involves interpretation of variants in research participants for the purpose of population health screening. Participant phenotype was not available at the time of variant classification. Additional details can be found in publication PMID: 35346344, PMCID: PMC8962531

NM_000218.3(KCNQ1):c.469T>C (p.Phe157Leu)

Gene: KCNQ1 (potassium voltage-gated channel subfamily Q member 1; plus strand). Cytogenetic location: 11p15.5.
Variant type: single nucleotide variant.
Coding change: c.469T>C on transcript NM_000218.3 (MANE Select); coding-DNA position 469, T replaced by C.
Protein change: p.Phe157Leu; replaces phenylalanine 157 with leucine.
Molecular consequence: missense variant.
Genome position (GRCh38, 1-based): chr11:2,528,010, T>C. VCF-style: chr11-2528010-T-C. GRCh37 (hg19) VCF-style: chr11-2549240-T-C.
Other names: c.469T>C, p.Phe157Leu (NM_001406836.1, NM_001406838.1); c.199T>C, p.Phe67Leu (NM_001406837.1); c.88T>C, p.Phe30Leu (NM_181798.2); short protein forms F157L, F30L, F67L.
Identifiers: ClinVar variation 3073593 (VCV003073593.3), dbSNP rs2493591777, ClinGen allele CA379122103.